The following is an entry in ClinVar:

ClinVar aggregate classification (germline): Uncertain significance. Review status: criteria provided, multiple submitters, no conflicts (2 of 4 stars). 2 submissions from 2 submitters: Uncertain significance (2). Last evaluated 2025-05-18.

Allele frequency attached by ClinVar (database versions not stated): gnomAD exomes 0.00001.
gnomAD v4.1: 13 of 1,614,092 alleles (0.00081%); highest among the groups gnomAD compares: Non-Finnish European, 0.001%; no homozygotes.

Submissions (2):

Labcorp Genetics (formerly Invitae), Labcorp
Classification: Uncertain significance. Last evaluated: 2025-05-18. Review status: criteria provided, single submitter. Criteria: Invitae Variant Classification Sherloc (09022015). Collection method: clinical testing. Allele origin: germline.
Comment: This sequence change replaces glycine, which is neutral and non-polar, with alanine, which is neutral and non-polar, at codon 81 of the POLG2 protein (p.Gly81Ala). This variant is not present in population databases (gnomAD no frequency). This variant has not been reported in the literature in individuals affected with POLG2-related conditions. ClinVar contains an entry for this variant (Variation ID: 2571000). An algorithm developed to predict the effect of missense changes on protein structure and function (PolyPhen-2) suggests that this variant is likely to be disruptive. In summary, the available evidence is currently insufficient to determine the role of this variant in disease. Therefore, it has been classified as a Variant of Uncertain Significance.

CeGaT Center for Human Genetics Tuebingen
Classification: Uncertain significance. Last evaluated: 2023-06-01. Review status: criteria provided, single submitter. Criteria: CeGaT Center For Human Genetics Tuebingen Variant Classification Criteria Version 2. Collection method: clinical testing. Allele origin: germline. Affected: yes. Observed: 1 variant allele.
Comment: POLG2: PM2, BP4

NM_007215.4(POLG2):c.242G>C (p.Gly81Ala)

Genes: MILR1 (mast cell immunoglobulin like receptor 1; plus strand), POLG2 (DNA polymerase gamma 2, accessory subunit; minus strand). Cytogenetic location: 17q23.3.
Variant type: single nucleotide variant.
Coding change: c.242G>C on transcript NM_007215.4 (MANE Select); coding-DNA position 242, G replaced by C.
Protein change: p.Gly81Ala; replaces glycine 81 with alanine.
Molecular consequence: missense variant.
Genome position (GRCh38, 1-based): chr17:64,496,727, C>G on the plus strand (G>C on the coding strand, the complement: POLG2 is on the minus strand). VCF-style: chr17-64496727-C-G. GRCh37 (hg19) VCF-style: chr17-62492845-C-G.
Other names: short protein forms G81A.
Identifiers: ClinVar variation 2571000 (VCV002571000.30), dbSNP rs2509561005, ClinGen allele CA400641343.